The following is an entry in ClinVar:

ClinVar aggregate classification (germline): Likely benign. Review status: criteria provided, multiple submitters, no conflicts (2 of 4 stars). 2 submissions from 2 submitters: Likely benign (2). Last evaluated 2025-08-14.

gnomAD v4.1: 2 of 1,613,278 alleles (0.00012%); highest among the groups gnomAD compares: Non-Finnish European, 0.00017%; no homozygotes.

Submissions (2):

Labcorp Genetics (formerly Invitae), Labcorp
Classification: Likely benign. Last evaluated: 2025-08-14. Review status: criteria provided, single submitter. Criteria: Invitae Variant Classification Sherloc (09022015). Collection method: clinical testing. Allele origin: germline.

Women's Health and Genetics/Laboratory Corporation of America, LabCorp
Classification: Likely benign. Last evaluated: 2025-05-30. Review status: criteria provided, single submitter. Criteria: LabCorp Variant Classification Summary - May 2015. Collection method: clinical testing. Allele origin: germline.
Comment: Variant summary: ARFGEF2 c.1677G>C alters a conserved nucleotide resulting in a synonymous change. Consensus agreement among computation tools predict no significant impact on normal splicing. However, these predictions have yet to be confirmed by functional studies. The variant allele was found at a frequency of 4e-06 in 250804 control chromosomes. The available data on variant occurrences in the general population are insufficient to allow any conclusion about variant significance. To our knowledge, no occurrence of c.1677G>C in individuals affected with Periventricular Heterotopia With Microcephaly and no experimental evidence demonstrating its impact on protein function have been reported. No submitters have cited clinical-significance assessments for this variant to ClinVar. Based on the evidence outlined above, the variant was classified as likely benign.

NM_006420.3(ARFGEF2):c.1677G>C (p.Leu559=)

Gene: ARFGEF2 (ARF guanine nucleotide exchange factor 2; plus strand). Cytogenetic location: 20q13.13.
Variant type: single nucleotide variant.
Coding change: c.1677G>C on transcript NM_006420.3 (MANE Select); coding-DNA position 1677, G replaced by C.
Protein change: p.Leu559=; no amino-acid change (leucine 559 retained).
Molecular consequence: synonymous variant.
Genome position (GRCh38, 1-based): chr20:48,974,777, G>C. VCF-style: chr20-48974777-G-C. GRCh37 (hg19) VCF-style: chr20-47591314-G-C.
Other names: c.1674G>C, p.Leu558= (NM_001410846.1).
Identifiers: ClinVar variation 3902774 (VCV003902774.2).